The following is an entry in ClinVar:

NM_002016.2(FLG):c.886A>G (p.Arg296Gly)

Genes: FLG (filaggrin; minus strand), CCDST (cervical cancer associated DHX9 suppressive transcript; plus strand). Cytogenetic location: 1q21.3.
Variant type: single nucleotide variant.
Coding change: c.886A>G on transcript NM_002016.2 (MANE Select); coding-DNA position 886, A replaced by G.
Protein change: p.Arg296Gly; replaces arginine 296 with glycine.
Molecular consequence: missense variant. On other transcripts: non-coding transcript variant (1).
Genome position (GRCh38, 1-based): chr1:152,314,000, T>C on the plus strand (A>G on the coding strand, the complement: FLG is on the minus strand). VCF-style: chr1-152314000-T-C. GRCh37 (hg19) VCF-style: chr1-152286476-T-C.
Other names: short protein forms R296G.
Identifiers: ClinVar variation 3377409 (VCV003377409.1).

ClinVar aggregate classification (germline): Uncertain significance (1 of 4 stars; one submission).

Conditions:
Ichthyosis vulgaris. Also called: Dominant ichthyosis vulgaris; ICHTHYOSIS SIMPLEX. Identifiers: MedGen C0079584, MONDO:0024304, OMIM 146700.

gnomAD v4.1: 64 of 1,614,260 alleles (0.004%); highest among the groups gnomAD compares: South Asian, 0.056%; 2 homozygotes.

Submission:

Victorian Clinical Genetics Services, Murdoch Childrens Research Institute
Classification: Uncertain significance for Ichthyosis vulgaris. Last evaluated: 2019-08-28. Review status: criteria provided, single submitter. Criteria: ACMG Guidelines, 2015. Collection method: clinical testing. Allele origin: germline. Affected: yes.
Comment: A heterozygous missense variant was identified, NM_002016.1(FLG):c.886A>G in exon 3 of 3 of the FLG gene. This substitution is predicted to create a major amino acid change from arginine to glycine at position 296 of the protein, NP_002007.1(FLG):p.(Arg296Gly). The arginine at this position has low conservation (100 vertebrates, UCSC), but it is situated in a known repeat (Filaggrin repeat). In silico software predicts this variant to be benign (Polyphen, SIFT, CADD, Mutation Taster). The variant is present in the gnomAD population database at a frequency of 0.0057% (14 heterozygotes, 1 homozygote). The variant has not been previously reported pathogenic in a clinical case. Based on information available at the time of curation, this variant has been classified as a VARIANT of UNCERTAIN SIGNIFICANCE (VUS) with LOW CLINICAL RELEVANCE.